The following is an entry in ClinVar:

NC_000005.10:g.112707390G>C

Gene: APC (APC regulator of Wnt signaling pathway; plus strand). Cytogenetic location: 5q22.2.
Variant type: single nucleotide variant.
Genome position: GRCh38 VCF-style: chr5-112707390-G-C. GRCh37 (hg19) VCF-style: chr5-112043087-G-C.
Identifiers: ClinVar variation 1006712 (VCV001006712.8), dbSNP rs1750554761, ClinGen allele CA1573442233.

ClinVar aggregate classification (germline): Uncertain significance (1 of 4 stars; one submission).

Conditions:
Familial adenomatous polyposis 1 (FAP1). Also called: FAMILIAL ADENOMATOUS POLYPOSIS 1, ATTENUATED; POLYPOSIS, ADENOMATOUS INTESTINAL. Identifiers: MedGen C2713442, MONDO:0021056, OMIM 175100. Disease mechanism: loss of function.

Allele frequency attached by ClinVar (database versions not stated): gnomAD exomes below 0.00001.

Submission:

Labcorp Genetics (formerly Invitae), Labcorp
Classification: Uncertain significance for Familial adenomatous polyposis 1. Last evaluated: 2025-11-07. Review status: criteria provided, single submitter. Criteria: Invitae Variant Classification Sherloc (09022015). Collection method: clinical testing. Allele origin: germline.
Comment: This variant occurs in a non-coding region of the APC gene. It does not change the encoded amino acid sequence of the APC protein. This variant is not present in population databases (gnomAD no frequency). This variant has not been reported in the literature in individuals affected with APC-related conditions. Experimental studies and prediction algorithms are not available or were not evaluated, and the functional significance of this variant is currently unknown. In summary, the available evidence is currently insufficient to determine the role of this variant in disease. Therefore, it has been classified as a Variant of Uncertain Significance.